The following is an entry in ClinVar:

ClinVar aggregate classification (germline): Uncertain significance. Review status: criteria provided, multiple submitters, no conflicts (2 of 4 stars). 4 submissions from 4 submitters: Uncertain significance (4). Last evaluated 2025-04-19.

Conditions:
Saldino-Mainzer syndrome (SRTD9). Also called: SHORT-RIB THORACIC DYSPLASIA 9 WITHOUT POLYDACTYLY; CONORENAL SYNDROME; Renal dysplasia, retinal pigmentary dystrophy, cerebellar ataxia and skeletal dysplasia; short-rib thoracic dysplasia 9 with or without polydactyly. Identifiers: Orphanet 140969, MedGen C1849437, MONDO:0009964, OMIM 266920.
IFT140-related disorder. Also called: IFT140-related condition.
Retinitis pigmentosa 80 (RP80). Identifiers: MedGen C4540439, MONDO:0054708, OMIM 617781.

Allele frequency attached by ClinVar (database versions not stated): gnomAD 0.00001; TOPMed 0.00002; gnomAD exomes 0.00003 and 0.00005; ExAC 0.00004.
gnomAD v4.1: 73 of 1,611,788 alleles (0.0045%); highest among the groups gnomAD compares: Non-Finnish European, 0.0053%; no homozygotes.

Submissions (4):

PreventionGenetics, part of Exact Sciences
Classification: Uncertain significance for IFT140-related condition. Last evaluated: 2025-04-19. Review status: criteria provided, single submitter. Criteria: ACMG Guidelines, 2015. Collection method: clinical testing. Allele origin: germline.
Comment: The IFT140 c.3131G>A variant is predicted to result in the amino acid substitution p.Arg1044His. This variant was reported in the heterozygous state in two family members in a whole genome sequence (WGS) study of patients with inherited retinal degenerations (IRD) (Branham et al. 2016. PubMed ID: 27764769). Of note, a different substitution at the same codon, defined as c.3130C>T (p.Arg1044Cys), was reported with another missense IFT140 variant in an individual with IRD and both were classified as a variant of uncertain significance (VUS), but this individual also has two variants in PROM1 that could be the primary cause for IRD (one is a canonical splice variant interpreted as likely pathogenic and the other is a synonymous variant at the end of a coding exon that is predicted to alter splicing) (Table S2, Zampaglione et al. 2020. PubMed ID: 32037395). The c.3131G>A (p.Arg1044His) variant is reported in 0.0098% of alleles in individuals of South Asian descent in gnomAD. At this time, the clinical significance of this variant is uncertain due to the absence of conclusive functional and genetic evidence.

Blueprint Genetics
Classification: Uncertain significance. Last evaluated: 2024-08-08. Review status: criteria provided, single submitter. Criteria: ACMG Guidelines, 2015. Collection method: clinical testing. Allele origin: germline.

Fulgent Genetics
Classification: Uncertain significance for Saldino-Mainzer syndrome; Retinitis pigmentosa 80. Last evaluated: 2024-01-08. Review status: criteria provided, single submitter. Criteria: ACMG Guidelines, 2015. Collection method: clinical testing. Allele origin: germline.

Labcorp Genetics (formerly Invitae), Labcorp
Classification: Uncertain significance for Saldino-Mainzer syndrome. Last evaluated: 2022-07-05. Review status: criteria provided, single submitter. Criteria: Invitae Variant Classification Sherloc (09022015). Collection method: clinical testing. Allele origin: germline.
Comment: This sequence change replaces arginine, which is basic and polar, with histidine, which is basic and polar, at codon 1044 of the IFT140 protein (p.Arg1044His). This variant is present in population databases (rs577498082, gnomAD 0.01%). This variant has not been reported in the literature in individuals affected with IFT140-related conditions. ClinVar contains an entry for this variant (Variation ID: 951715). Algorithms developed to predict the effect of missense changes on protein structure and function are either unavailable or do not agree on the potential impact of this missense change (SIFT: "Deleterious"; PolyPhen-2: "Benign"; Align-GVGD: "Class C0"). In summary, the available evidence is currently insufficient to determine the role of this variant in disease. Therefore, it has been classified as a Variant of Uncertain Significance.

NM_014714.4(IFT140):c.3131G>A (p.Arg1044His)

Genes: IFT140 (intraflagellar transport 140; minus strand), LOC126862260 (CDK7 strongly-dependent group 2 enhancer GRCh37_chr16:1574508-1575707; plus strand). Cytogenetic location: 16p13.3.
Variant type: single nucleotide variant.
Coding change: c.3131G>A on transcript NM_014714.4 (MANE Select); coding-DNA position 3131, G replaced by A.
Protein change: p.Arg1044His; replaces arginine 1044 with histidine.
Molecular consequence: missense variant.
Genome position (GRCh38, 1-based): chr16:1,524,562, C>T on the plus strand (G>A on the coding strand, the complement: IFT140 is on the minus strand). VCF-style: chr16-1524562-C-T. GRCh37 (hg19) VCF-style: chr16-1574563-C-T.
Other names: short protein forms R1044H.
Identifiers: ClinVar variation 951715 (VCV000951715.10), dbSNP rs577498082, ClinGen allele CA7813305.